The following is an entry in ClinVar:

ClinVar aggregate classification (germline): Likely pathogenic (1 of 4 stars; one submission).

Conditions:
Fanconi anemia complementation group O. Also called: RAD51C-Related Fanconi Anemia. Identifiers: Orphanet 84, MedGen C3150653, MONDO:0013248, OMIM 613390.

Submission:

Labcorp Genetics (formerly Invitae), Labcorp
Classification: Likely pathogenic for Fanconi anemia complementation group O. Last evaluated: 2022-05-10. Review status: criteria provided, single submitter. Criteria: Invitae Variant Classification Sherloc (09022015). Collection method: clinical testing. Allele origin: germline.
Comment: This variant results in a copy number gain of the genomic region encompassing exon(s) 4-5 of the RAD51C gene. While the exact position of this variant cannot be determined from the data, sub-genic copy number gains are generally in tandem (PMID: 25640679). This variant is predicted to be out-of-frame, and may result in an absent or disrupted protein product. Loss-of-function variants in RAD51C are known to be pathogenic (PMID: 20400964, 21990120, 24800917). This variant has not been reported in the literature in individuals affected with RAD51C-related conditions. In summary, the currently available evidence indicates that the variant is pathogenic, but additional data are needed to prove that conclusively. Therefore, this variant has been classified as Likely Pathogenic.

Literature cited by the submitters: PubMed 25640679; PubMed 20400964; PubMed 21990120; PubMed 24800917.

NC_000017.10:g.(?_56780547)_(56787361_?)dup

Gene: RAD51C (RAD51 paralog C; plus strand). Cytogenetic location: 17q22.
Variant type: Duplication.
Identifiers: ClinVar variation 2427169 (VCV002427169.4).